The following is an entry in ClinVar:

NM_032043.3(BRIP1):c.3517A>C (p.Ile1173Leu)

Gene: BRIP1 (BRCA1 interacting DNA helicase 1; minus strand). Cytogenetic location: 17q23.2.
Variant type: single nucleotide variant.
Coding change: c.3517A>C on transcript NM_032043.3 (MANE Select); coding-DNA position 3517, A replaced by C.
Protein change: p.Ile1173Leu; replaces isoleucine 1173 with leucine.
Molecular consequence: missense variant.
Genome position (GRCh38, 1-based): chr17:61,683,529, T>G on the plus strand (A>C on the coding strand, the complement: BRIP1 is on the minus strand). VCF-style: chr17-61683529-T-G. GRCh37 (hg19) VCF-style: chr17-59760890-T-G.
Other names: short protein forms I1173L.
Identifiers: ClinVar variation 954168 (VCV000954168.10), dbSNP rs2061303840, ClinGen allele CA400478446.

ClinVar aggregate classification (germline): Uncertain significance (1 of 4 stars; one submission).

Conditions:
Familial cancer of breast. Also called: Hereditary breast cancer; hereditary breast carcinoma; BREAST CANCER, FAMILIAL. Identifiers: Orphanet 227535, MedGen C0346153, MONDO:0016419, OMIM 114480. Disease mechanism: loss of function.
Fanconi anemia complementation group J. Also called: BRIP1-Related Fanconi Anemia. Identifiers: Orphanet 84, MedGen C1836860, MONDO:0012187, OMIM 609054.

Submission:

Labcorp Genetics (formerly Invitae), Labcorp
Classification: Uncertain significance for Familial cancer of breast; Fanconi anemia complementation group J. Last evaluated: 2019-10-02. Review status: criteria provided, single submitter. Criteria: Invitae Variant Classification Sherloc (09022015). Collection method: clinical testing. Allele origin: germline.
Comment: This variant is not present in population databases (ExAC no frequency). This sequence change replaces isoleucine with leucine at codon 1173 of the BRIP1 protein (p.Ile1173Leu). The isoleucine residue is weakly conserved and there is a small physicochemical difference between isoleucine and leucine. This variant has not been reported in the literature in individuals with BRIP1-related conditions. In summary, the available evidence is currently insufficient to determine the role of this variant in disease. Therefore, it has been classified as a Variant of Uncertain Significance. Algorithms developed to predict the effect of missense changes on protein structure and function (SIFT, PolyPhen-2, Align-GVGD) all suggest that this variant is likely to be tolerated, but these predictions have not been confirmed by published functional studies and their clinical significance is uncertain.